The following is an entry in ClinVar:

NM_004656.4(BAP1):c.1252T>A (p.Tyr418Asn)

Gene: BAP1 (BRCA1 associated deubiquitinase 1; minus strand). Cytogenetic location: 3p21.1.
Variant type: single nucleotide variant.
Coding change: c.1252T>A on transcript NM_004656.4 (MANE Select); coding-DNA position 1252, T replaced by A.
Protein change: p.Tyr418Asn; replaces tyrosine 418 with asparagine.
Molecular consequence: missense variant.
Genome position (GRCh38, 1-based): chr3:52,403,893, A>T on the plus strand (T>A on the coding strand, the complement: BAP1 is on the minus strand). VCF-style: chr3-52403893-A-T. GRCh37 (hg19) VCF-style: chr3-52437909-A-T.
Other names: c.1198T>A, p.Tyr400Asn (NM_001410772.1); short protein forms Y418N, Y400N.
Identifiers: ClinVar variation 3722007 (VCV003722007.2).
Genomic context (GRCh38, chr3:52,403,893, plus strand): 5'-ACAGTTGCCCATCAGCAGAACCGCTCAATGCCCCTGGCTTCCCTGTTCCCTTCCCCTTAT[A>T]CCTGTGGGGCCCGAGAAGATGTGAAGCAAGGGAACGGGCCAGGTGACCATACCCAGCAGT-3'
Protein context (NP_004647.1, residues 408-428): DVQNTNSALR[Tyr418Asn]KGKGTGKPGA

ClinVar aggregate classification (germline): Uncertain significance (1 of 4 stars; one submission).

Conditions:
BAP1-related tumor predisposition syndrome (TPDS1). Also called: BAP1 tumor predisposition syndrome; Tumor susceptibility linked to germline BAP1 mutations; TUMOR PREDISPOSITION SYNDROME 1; COMMON Syndrome. Identifiers: Orphanet 289539, MedGen C3280492, MONDO:0013692, OMIM 614327.

Submission:

Labcorp Genetics (formerly Invitae), Labcorp
Classification: Uncertain significance for BAP1-related tumor predisposition syndrome. Last evaluated: 2024-10-02. Review status: criteria provided, single submitter. Criteria: Invitae Variant Classification Sherloc (09022015). Collection method: clinical testing. Allele origin: germline.
Comment: This sequence change replaces tyrosine, which is neutral and polar, with asparagine, which is neutral and polar, at codon 418 of the BAP1 protein (p.Tyr418Asn). This variant is not present in population databases (gnomAD no frequency). This variant has not been reported in the literature in individuals affected with BAP1-related conditions. An algorithm developed to predict the effect of missense changes on protein structure and function (PolyPhen-2) suggests that this variant is likely to be tolerated. Algorithms developed to predict the effect of sequence changes on RNA splicing suggest that this variant may disrupt the consensus splice site. In summary, the available evidence is currently insufficient to determine the role of this variant in disease. Therefore, it has been classified as a Variant of Uncertain Significance.